The following is an entry in ClinVar:

NM_007325.5(GRIA3):c.424C>T (p.Arg142Cys)

Gene: GRIA3 (glutamate ionotropic receptor AMPA type subunit 3; plus strand). Cytogenetic location: Xq25.
Variant type: single nucleotide variant.
Coding change: c.424C>T on transcript NM_007325.5 (MANE Select); coding-DNA position 424, C replaced by T.
Protein change: p.Arg142Cys; replaces arginine 142 with cysteine.
Molecular consequence: missense variant.
Genome position (GRCh38, 1-based): chrX:123,253,458, C>T. VCF-style: chrX-123253458-C-T. GRCh37 (hg19) VCF-style: chrX-122387309-C-T.
Other names: c.424C>T, p.Arg142Cys (NM_000828.5); c.424C>T (NM_000828.4); short protein forms R142C.
Identifiers: ClinVar variation 1493330 (VCV001493330.11), dbSNP rs775540855, ClinGen allele CA10506895.

ClinVar aggregate classification (germline): Uncertain significance. Review status: criteria provided, multiple submitters, no conflicts (2 of 4 stars). 3 submissions from 3 submitters: Uncertain significance (3). Last evaluated 2025-08-21.

Conditions:
Syndromic X-linked intellectual disability 94 (MRXSW). Also called: X-linked intellectual disability due to GRIA3 anomalies; MENTAL RETARDATION, X-LINKED, SYNDROMIC 29. Identifiers: Orphanet 364028, MedGen C2678051, MONDO:0010402, OMIM 300699.

Allele frequency attached by ClinVar (database versions not stated): ExAC 0.00001; gnomAD 0.00001; gnomAD exomes 0.00002.
gnomAD v4.1: 10 of 1,207,504 alleles (0.00083%); highest among the groups gnomAD compares: South Asian, 0.0035%; no homozygotes.

Submissions (3):

Labcorp Genetics (formerly Invitae), Labcorp
Classification: Uncertain significance. Last evaluated: 2025-08-21. Review status: criteria provided, single submitter. Criteria: Invitae Variant Classification Sherloc (09022015). Collection method: clinical testing. Allele origin: germline.
Comment: This sequence change replaces arginine, which is basic and polar, with cysteine, which is neutral and slightly polar, at codon 142 of the GRIA3 protein (p.Arg142Cys). This variant is present in population databases (rs775540855, gnomAD 0.01%). This variant has not been reported in the literature in individuals affected with GRIA3-related conditions. ClinVar contains an entry for this variant (Variation ID: 1493330). Invitae Evidence Modeling of protein sequence and biophysical properties (such as structural, functional, and spatial information, amino acid conservation, physicochemical variation, residue mobility, and thermodynamic stability) has been performed for this missense variant. However, the output from this modeling did not meet the statistical confidence thresholds required to predict the impact of this variant on GRIA3 protein function. In summary, the available evidence is currently insufficient to determine the role of this variant in disease. Therefore, it has been classified as a Variant of Uncertain Significance.

Revvity Omics, Revvity
Classification: Uncertain significance for Syndromic X-linked intellectual disability 94. Last evaluated: 2022-03-31. Review status: criteria provided, single submitter. Criteria: ACMG Guidelines, 2015. Collection method: clinical testing. Allele origin: germline.

Genetics and Molecular Pathology, SA Pathology
Classification: Uncertain significance for Syndromic X-linked intellectual disability 94. Last evaluated: 2020-08-12. Review status: criteria provided, single submitter. Criteria: ACMG Guidelines, 2015. Collection method: clinical testing. Allele origin: germline. Inheritance: X-linked recessive inheritance. Affected: yes.
Comment: The GRIA3 c.424C>T missense variant is classified as a VARIANT OF UNCERTAIN SIGNIFICANCE (PP3) The GRIA3 gene encodes a subunit of a AMPA-sensitive glutamate receptor, which has an important role in excitatory synaptic transmission. The GRIA3 c.424C>T missense variant is a single nucleotide change in exon 3 of the GRIA3 gene, which is predicted to change the amino acid arginine at position 142 in the protein to cysteine. This variant has been reported in dbSNP (rs775540855) and is rare in population databases (gnomAD = 0.002%, 3 hemizygotes, 1 heterozygote and no homozygotes in 204912 sequenced alleles). This variant has not been reported in the ClinVar or HGMD disease databases. Computational predictions support a deleterious effect on the gene or gene product (PP3).